The following is an entry in ClinVar:

ClinVar aggregate classification (germline): Conflicting classifications of pathogenicity. Review status: criteria provided, conflicting classifications (1 of 4 stars). 2 submissions from 2 submitters: Uncertain significance (1); Likely benign (1). Last evaluated 2025-11-22.

Allele frequency attached by ClinVar (database versions not stated): gnomAD exomes 0.00006; ExAC 0.00021; gnomAD 0.00059; 1000 Genomes Project 0.00060; TOPMed 0.00073; ESP Exome Variant Server 0.00077; 1000 Genomes Project 30x 0.00078.

Submissions (2):

Labcorp Genetics (formerly Invitae), Labcorp
Classification: Likely benign. Last evaluated: 2025-11-22. Review status: criteria provided, single submitter. Criteria: Invitae Variant Classification Sherloc (09022015). Collection method: clinical testing. Allele origin: germline.

GeneDx
Classification: Uncertain significance. Last evaluated: 2024-07-02. Review status: criteria provided, single submitter. Criteria: GeneDx Variant Classification Process June 2021. Collection method: clinical testing. Allele origin: germline. Affected: yes.
Comment: In silico analysis supports that this missense variant has a deleterious effect on protein structure/function; Has not been previously published as pathogenic or benign to our knowledge

NM_017875.4(SLC25A38):c.458G>A (p.Ser153Asn)

Gene: SLC25A38 (solute carrier family 25 member 38; plus strand). Cytogenetic location: 3p22.1.
Variant type: single nucleotide variant.
Coding change: c.458G>A on transcript NM_017875.4 (MANE Select); coding-DNA position 458, G replaced by A.
Protein change: p.Ser153Asn; replaces serine 153 with asparagine.
Molecular consequence: missense variant.
Genome position (GRCh38, 1-based): chr3:39,391,854, G>A. VCF-style: chr3-39391854-G-A. GRCh37 (hg19) VCF-style: chr3-39433345-G-A.
Other names: c.458G>A (NM_017875.2); c.458G>A, p.Ser153Asn (NM_001354798.2); short protein forms S153N.
Identifiers: ClinVar variation 2058543 (VCV002058543.5), dbSNP rs139671810, ClinGen allele CA2327473.